The following is an entry in ClinVar:

ClinVar aggregate classification (germline): Uncertain significance. Review status: criteria provided, multiple submitters, no conflicts (2 of 4 stars). 2 submissions from 2 submitters: Uncertain significance (2). Last evaluated 2024-08-05.

Conditions:
Inborn genetic diseases. Identifiers: MedGen C0950123, MeSH D030342.

Allele frequency attached by ClinVar (database versions not stated): gnomAD exomes 0.00001; ExAC 0.00003; TOPMed 0.00003; gnomAD 0.00001.

Submissions (2):

Labcorp Genetics (formerly Invitae), Labcorp
Classification: Uncertain significance. Last evaluated: 2024-08-05. Review status: criteria provided, single submitter. Criteria: Invitae Variant Classification Sherloc (09022015). Collection method: clinical testing. Allele origin: germline.
Comment: This sequence change replaces glutamine, which is neutral and polar, with arginine, which is basic and polar, at codon 289 of the CNOT1 protein (p.Gln289Arg). This variant is present in population databases (rs757604861, gnomAD 0.03%). This variant has not been reported in the literature in individuals affected with CNOT1-related conditions. ClinVar contains an entry for this variant (Variation ID: 2150234). An algorithm developed to predict the effect of missense changes on protein structure and function (PolyPhen-2) suggests that this variant is likely to be tolerated. In summary, the available evidence is currently insufficient to determine the role of this variant in disease. Therefore, it has been classified as a Variant of Uncertain Significance.

Ambry Genetics
Classification: Uncertain significance for Inborn genetic diseases. Last evaluated: 2021-07-17. Review status: criteria provided, single submitter. Criteria: Ambry Variant Classification Scheme 2023. Collection method: clinical testing. Allele origin: germline.

NM_016284.5(CNOT1):c.866A>G (p.Gln289Arg)

Gene: CNOT1 (CCR4-NOT transcription complex subunit 1; minus strand). Cytogenetic location: 16q21.
Variant type: single nucleotide variant.
Coding change: c.866A>G on transcript NM_016284.5 (MANE Select); coding-DNA position 866, A replaced by G.
Protein change: p.Gln289Arg; replaces glutamine 289 with arginine.
Molecular consequence: missense variant. On other transcripts: non-coding transcript variant (1).
Genome position (GRCh38, 1-based): chr16:58,583,123, T>C on the plus strand (A>G on the coding strand, the complement: CNOT1 is on the minus strand). VCF-style: chr16-58583123-T-C. GRCh37 (hg19) VCF-style: chr16-58617027-T-C.
Other names: c.866A>G, p.Gln289Arg (NM_001265612.2, NM_206999.3); c.866A>G (NM_016284.3); short protein forms Q289R.
Identifiers: ClinVar variation 2150234 (VCV002150234.5), dbSNP rs757604861, ClinGen allele CA8090044.